The following is an entry in ClinVar:

NM_001367498.1(CNTNAP5):c.1358C>T (p.Ser453Leu)

Gene: CNTNAP5 (contactin associated protein family member 5; plus strand). Cytogenetic location: 2q14.3.
Variant type: single nucleotide variant.
Coding change: c.1358C>T on transcript NM_001367498.1 (MANE Select); coding-DNA position 1358, C replaced by T.
Protein change: p.Ser453Leu; replaces serine 453 with leucine.
Molecular consequence: missense variant.
Genome position (GRCh38, 1-based): chr2:124,524,333, C>T. VCF-style: chr2-124524333-C-T. GRCh37 (hg19) VCF-style: chr2-125281910-C-T.
Other names: c.1355C>T, p.Ser452Leu (NM_130773.4); short protein forms S452L, S453L.
Identifiers: ClinVar variation 3056463 (VCV003056463.2), dbSNP rs17727261, ClinGen allele CA1855846.

ClinVar aggregate classification (germline): Benign (0 of 4 stars; one submission).

Conditions:
CNTNAP5-related disorder. Also called: CNTNAP5-related condition.

Allele frequency attached by ClinVar (database versions not stated): 1000 Genomes Project 30x 0.01718; 1000 Genomes Project 0.01797; TOPMed 0.02849; gnomAD 0.03372; ExAC 0.03403; ESP Exome Variant Server 0.03590; gnomAD exomes 0.04168.
gnomAD v4.1: 65,836 of 1,613,644 alleles (4.1%); highest among the groups gnomAD compares: Non-Finnish European, 4.5%; 1,554 homozygotes.

Submission:

PreventionGenetics, part of Exact Sciences
Classification: Benign for CNTNAP5-related condition. Last evaluated: 2019-05-02. Review status: no assertion criteria provided. Collection method: clinical testing. Allele origin: germline.
Comment: This variant is classified as benign based on ACMG/AMP sequence variant interpretation guidelines (Richards et al. 2015 PMID: 25741868, with internal and published modifications).